The following is an entry in ClinVar:

ClinVar aggregate classification (germline): Benign/Likely benign. Review status: criteria provided, multiple submitters, no conflicts (2 of 4 stars). 5 submissions from 4 submitters: Benign (4); Likely benign (1). Last evaluated 2026-01-28.

Conditions:
Retinitis pigmentosa 39 (RP39). Identifiers: Orphanet 791, MedGen C3151138, MONDO:0013436, OMIM 613809.
Usher syndrome type 2A. Also called: RETINAL DISEASE IN USHER SYNDROME TYPE IIA, MODIFIER OF; USHER SYNDROME, TYPE IIA. Identifiers: Orphanet 231178, Orphanet 886, MedGen C1848634, MONDO:0010169, OMIM 276901.

Submissions (5):

Labcorp Genetics (formerly Invitae), Labcorp
Classification: Benign. Last evaluated: 2026-01-28. Review status: criteria provided, single submitter. Criteria: Invitae Variant Classification Sherloc (09022015). Collection method: clinical testing. Allele origin: germline.

Blueprint Genetics
Classification: Likely benign. Last evaluated: 2024-10-11. Review status: criteria provided, single submitter. Criteria: ACMG Guidelines, 2015. Collection method: clinical testing. Allele origin: germline.

Genome-Nilou Lab
Classification: Benign for Retinitis pigmentosa 39. Last evaluated: 2023-04-11. Review status: criteria provided, single submitter. Criteria: ACMG Guidelines, 2015. Collection method: clinical testing. Allele origin: germline. Affected: no.

Genome-Nilou Lab
Classification: Benign for Usher syndrome type 2A. Last evaluated: 2023-04-11. Review status: criteria provided, single submitter. Criteria: ACMG Guidelines, 2015. Collection method: clinical testing. Allele origin: germline. Affected: no.

Laboratory for Molecular Medicine, Mass General Brigham Personalized Medicine
Classification: Benign. Last evaluated: 2015-08-12. Review status: criteria provided, single submitter. Criteria: LMM Criteria. Collection method: clinical testing. Allele origin: germline. Observed: 1 variant allele.
Comment: c.7121-14delT in intron 37 of USH2A: This variant is not expected to have clinic al significance because it has been identified in 0.88% (65/7394) of East Asian chromosomes by the Exome Aggregation Consortium (ExAC; dbSNP rs536181325).

NM_206933.4(USH2A):c.7121-14del

Gene: USH2A (usherin; minus strand). Cytogenetic location: 1q41.
Variant type: Deletion.
Coding change: c.7121-14del on transcript NM_206933.4 (MANE Select); 14 bases into the intron before coding-DNA position 7121, one base deleted (T; older notation c.7121-14delT).
Molecular consequence: intron variant.
Genome position (GRCh38, 1-based): chr1:215,934,809, A deleted on the plus strand (T on the coding strand, the reverse complement: USH2A is on the minus strand); the first of 4 consecutive A bases (chr1:215,934,809-215,934,812); deleting any one gives the same sequence. VCF-style (leftmost placement, unchanged base first): chr1-215934808-GA-G. GRCh37 (hg19) VCF-style: chr1-216108150-GA-G.
Identifiers: ClinVar variation 227146 (VCV000227146.14), dbSNP rs536181325, ClinGen allele CA1394932.
Genomic context (GRCh38, chr1:215,934,808, plus strand): 5'-CGCTGTACATGACTTTTGTGACATTCAGAAGGGTGTAGTTATTACCTACTGATTAAAAAA[GA>G]AAATTATTAAAATAAATACATATTTAAGAATTCATTCCTGCTATTATTTGAGTATTTTCT-3'